The following is an entry in ClinVar:

ClinVar aggregate classification (germline): Pathogenic/Likely pathogenic. Review status: criteria provided, multiple submitters, no conflicts (2 of 4 stars). 2 submissions from 2 submitters: Pathogenic (1); Likely pathogenic (1). Last evaluated 2025-03-22.

Conditions:
KRIT1-related disorder. Also called: KRIT1-related condition; KRIT1-related disorders.
Cerebral cavernous malformation (CCM). Also called: Cavernous Hemangioma of Brain; CAVERNOUS ANGIOMA, FAMILIAL; CAVERNOUS ANGIOMATOUS MALFORMATIONS; CEREBRAL CAPILLARY MALFORMATIONS; Cerebral cavernous malformations; Cerebral cavernous hemangioma (type). Identifiers: Orphanet 221061, MedGen C2919945, MONDO:0000820, OMIM 116860, HP:0033522.

Submissions (2):

Labcorp Genetics (formerly Invitae), Labcorp
Classification: Pathogenic for Cerebral cavernous malformation. Last evaluated: 2025-03-22. Review status: criteria provided, single submitter. Criteria: Invitae Variant Classification Sherloc (09022015). Collection method: clinical testing. Allele origin: germline.
Comment: This sequence change creates a premature translational stop signal (p.Asn402Leufs*13) in the KRIT1 gene. It is expected to result in an absent or disrupted protein product. Loss-of-function variants in KRIT1 are known to be pathogenic (PMID: 10508515, 11222804, 12404106, 24689081). This variant is not present in population databases (gnomAD no frequency). This premature translational stop signal has been observed in individual(s) with cerebral cavernous malformation type 1 (PMID: 11161805). ClinVar contains an entry for this variant (Variation ID: 566352). For these reasons, this variant has been classified as Pathogenic.

Blueprint Genetics
Classification: Likely pathogenic for KRIT1-related disorders. Last evaluated: 2023-12-27. Review status: criteria provided, single submitter. Criteria: ACMG Guidelines, 2015. Collection method: clinical testing. Allele origin: germline. Affected: yes. Observed: 1 variant allele.

Literature cited by the submitters: PubMed 10508515 (cited by Labcorp Genetics (formerly Invitae), Labcorp); PubMed 11222804 (cited by Labcorp Genetics (formerly Invitae), Labcorp); PubMed 12404106 (cited by Labcorp Genetics (formerly Invitae), Labcorp); PubMed 24689081 (cited by Labcorp Genetics (formerly Invitae), Labcorp); PubMed 11161805 (cited by Labcorp Genetics (formerly Invitae), Labcorp).

NM_194454.3(KRIT1):c.1204_1208del (p.Asn402fs)

Gene: KRIT1 (KRIT1 ankyrin repeat containing; minus strand). Cytogenetic location: 7q21.2.
Variant type: Microsatellite.
Coding change: c.1204_1208del on transcript NM_194454.3 (MANE Select); coding-DNA positions 1204 to 1208, 5 bases deleted (AACAA; older notation c.1204_1208delAACAA).
Protein change: p.Asn402fs; shifts the reading frame from asparagine 402.
Molecular consequence: frameshift variant.
Genome position (GRCh38, 1-based): chr7:92,225,766-92,225,770, TTGTT deleted on the plus strand (AACAA on the coding strand, the reverse complement: KRIT1 is on the minus strand); deleting any 5 consecutive bases within chr7:92,225,766-92,225,776 gives the same sequence; the c. name uses the placement nearest the transcript's 3' end. VCF-style (leftmost placement, unchanged base first): chr7-92225765-GTTGTT-G. GRCh37 (hg19) VCF-style: chr7-91855079-GTTGTT-G.
Other names: c.1204_1208delAACAA (NM_194456.1); c.1060_1064del, p.Asn354fs (NM_001013406.2, NM_001350669.1, NM_001350670.1); c.490_494del, p.Asn164fs (NM_001350671.1); c.1204_1208del, p.Asn402fs (NM_001350672.1, NM_001350673.1, NM_001350674.1 and 26 more transcripts); short protein forms N402fs, N164fs, N354fs.
Identifiers: ClinVar variation 566352 (VCV000566352.10), dbSNP rs1563275562, ClinGen allele CA891842818.